The following is an entry in ClinVar:

ClinVar aggregate classification (germline): Pathogenic. Review status: criteria provided, multiple submitters, no conflicts (2 of 4 stars). 2 submissions from 2 submitters: Pathogenic (2). Last evaluated 2025-05-05.

Conditions:
Hereditary cancer-predisposing syndrome. Also called: Tumor predisposition; Neoplastic Syndromes, Hereditary; Hereditary neoplastic syndrome; Hereditary Cancer Syndrome. Identifiers: Orphanet 140162, MedGen C0027672, MeSH D009386, MONDO:0015356.
Familial adenomatous polyposis 2. Also called: MYH-associated polyposis; FAP type 2; COLORECTAL ADENOMATOUS POLYPOSIS, AUTOSOMAL RECESSIVE; ADENOMAS, MULTIPLE COLORECTAL, AUTOSOMAL RECESSIVE; MUTYH-related attenuated familial adenomatous polyposis; MUTYH Polyposis. Identifiers: Orphanet 220460, Orphanet 247798, MedGen C3272841, MONDO:0012041, OMIM 608456.

Allele frequency attached by ClinVar (database versions not stated): gnomAD 0.00001.

Submissions (2):

Labcorp Genetics (formerly Invitae), Labcorp
Classification: Pathogenic for Familial adenomatous polyposis 2. Last evaluated: 2025-05-05. Review status: criteria provided, single submitter. Criteria: Invitae Variant Classification Sherloc (09022015). Collection method: clinical testing. Allele origin: germline.
Comment: This sequence change creates a premature translational stop signal (p.Trp263*) in the MUTYH gene. It is expected to result in an absent or disrupted protein product. Loss-of-function variants in MUTYH are known to be pathogenic (PMID: 18534194, 20663686). This variant is present in population databases (no rsID available, gnomAD 0.007%). This variant has not been reported in the literature in individuals affected with MUTYH-related conditions. ClinVar contains an entry for this variant (Variation ID: 565890). For these reasons, this variant has been classified as Pathogenic.

Ambry Genetics
Classification: Pathogenic for Hereditary cancer-predisposing syndrome. Last evaluated: 2023-12-07. Review status: criteria provided, single submitter. Criteria: Ambry Variant Classification Scheme 2023. Collection method: clinical testing. Allele origin: germline.
Comment: The p.W263* pathogenic mutation (also known as c.789G>A), located in coding exon 10 of the MUTYH gene, results from a G to A substitution at nucleotide position 789. This changes the amino acid from a tryptophan to a stop codon within coding exon 10. This variant is considered to be rare based on population cohorts in the Genome Aggregation Database (gnomAD). This alteration is expected to result in loss of function by premature protein truncation or nonsense-mediated mRNA decay. As such, this alteration is interpreted as a disease-causing mutation.

Literature cited by the submitters: PubMed 18534194 (cited by Labcorp Genetics (formerly Invitae), Labcorp); PubMed 20663686 (cited by Labcorp Genetics (formerly Invitae), Labcorp).

NM_001048174.2(MUTYH):c.705G>A (p.Trp235Ter)

Gene: MUTYH (mutY DNA glycosylase; minus strand). Cytogenetic location: 1p34.1.
Variant type: single nucleotide variant.
Coding change: c.705G>A on transcript NM_001048174.2 (MANE Select); coding-DNA position 705, G replaced by A.
Protein change: p.Trp235Ter; replaces tryptophan 235 with a stop codon.
Molecular consequence: nonsense. On other transcripts: non-coding transcript variant (2).
Genome position (GRCh38, 1-based): chr1:45,332,310, C>T on the plus strand (G>A on the coding strand, the complement: MUTYH is on the minus strand). VCF-style: chr1-45332310-C-T. GRCh37 (hg19) VCF-style: chr1-45797982-C-T.
Other names: c.705G>A, p.Trp235Ter (NM_001048171.2, NM_001048173.2, NM_001293195.2); c.708G>A, p.Trp236Ter (NM_001048172.2); c.789G>A, p.Trp263Ter (NM_001128425.2); c.750G>A, p.Trp250Ter (NM_001293190.2); c.738G>A, p.Trp246Ter (NM_001293191.2); c.429G>A, p.Trp143Ter (NM_001293192.2, NM_001293196.2); c.360G>A, p.Trp120Ter (NM_001350650.2, NM_001350651.2); c.780G>A, p.Trp260Ter (NM_012222.3); short protein forms W263*, W143*, W246*, W260*, W250*, W120*, W235*, W236*.
Identifiers: ClinVar variation 565890 (VCV000565890.7), dbSNP rs1338038953, ClinGen allele CA340134730.